The following is an entry in ClinVar:

ClinVar aggregate classification (germline): Uncertain significance. Review status: criteria provided, multiple submitters, no conflicts (2 of 4 stars). 6 submissions from 6 submitters: Uncertain significance (5). 1 of the submissions does not count toward it. Last evaluated 2025-09-30.

Conditions:
Usher syndrome type 1 (USH1). Also called: RETINITIS PIGMENTOSA AND CONGENITAL DEAFNESS. Identifiers: Orphanet 231169, Orphanet 886, MedGen C1568247, MONDO:0010168, OMIM 276900.
Autosomal dominant nonsyndromic hearing loss 11. Identifiers: Orphanet 90635, MedGen C1832475, MONDO:0011032, OMIM 601317.
Autosomal recessive nonsyndromic hearing loss 2. Also called: NEUROSENSORY NONSYNDROMIC RECESSIVE DEAFNESS 2; DEAFNESS, AUTOSOMAL RECESSIVE 2. Identifiers: Orphanet 90636, MedGen C1838701, MONDO:0010807, OMIM 600060.
Usher syndrome type 1B (USH1B). Also called: Usher syndrome type IB. Identifiers: MedGen C1848638, MONDO:0700087.

Allele frequency attached by ClinVar (database versions not stated): gnomAD exomes below 0.00001 and 0.00001; ExAC 0.00001; TOPMed 0.00001.
gnomAD v4.1: 8 of 1,613,648 alleles (0.0005%); highest among the groups gnomAD compares: Middle Eastern, 0.033%; no homozygotes.

Submissions (6):

Myriad Genetics, Inc.
Classification: Uncertain significance for Usher syndrome type 1. Last evaluated: 2025-09-30. Review status: criteria provided, single submitter. Criteria: Myriad Autosomal Dominant, Autosomal Recessive and X-Linked Classification Criteria (2023). Collection method: clinical testing. Allele origin: unknown.
Comment: NM_000260.3(MYO7A):c.5021C>A(T1674N) is a missense variant classified as a variant of uncertain significance in the context of MYO7A-related disorders. T1674N has not been observed in cases with relevant disease. Relevant functional assessments of this variant are not available in the literature. T1674N has been observed in referenced population frequency databases. In summary, there is insufficient evidence to classify NM_000260.3(MYO7A):c.5021C>A(T1674N) as pathogenic or benign. Please note: this variant was assessed in the context of healthy population screening.

GeneDx
Classification: Uncertain significance. Last evaluated: 2025-09-17. Review status: criteria provided, single submitter. Criteria: GeneDx Variant Classification Process June 2021. Collection method: clinical testing. Allele origin: germline.
Comment: Identified in a patient with hearing loss and classified as a variant of uncertain significance in published literature (PMID: 39161163); Not observed at significant frequency in large population cohorts (gnomAD); In silico analysis supports that this missense variant has a deleterious effect on protein structure/function; This variant is associated with the following publications: (PMID: 39161163)

Labcorp Genetics (formerly Invitae), Labcorp
Classification: Uncertain significance. Last evaluated: 2024-02-23. Review status: criteria provided, single submitter. Criteria: Invitae Variant Classification Sherloc (09022015). Collection method: clinical testing. Allele origin: germline.
Comment: This sequence change replaces threonine, which is neutral and polar, with asparagine, which is neutral and polar, at codon 1674 of the MYO7A protein (p.Thr1674Asn). This variant is present in population databases (rs766461538, gnomAD 0.01%). This variant has not been reported in the literature in individuals affected with MYO7A-related conditions. ClinVar contains an entry for this variant (Variation ID: 991573). Advanced modeling of protein sequence and biophysical properties (such as structural, functional, and spatial information, amino acid conservation, physicochemical variation, residue mobility, and thermodynamic stability) performed at Invitae indicates that this missense variant is not expected to disrupt MYO7A protein function with a negative predictive value of 95%. In summary, the available evidence is currently insufficient to determine the role of this variant in disease. Therefore, it has been classified as a Variant of Uncertain Significance.

Blueprint Genetics
Classification: Uncertain significance. Last evaluated: 2022-12-13. Review status: criteria provided, single submitter. Criteria: ACMG Guidelines, 2015. Collection method: clinical testing. Allele origin: germline.

Fulgent Genetics
Classification: Uncertain significance for Usher syndrome type 1; Autosomal recessive nonsyndromic hearing loss 2; Autosomal dominant nonsyndromic hearing loss 11. Last evaluated: 2021-07-30. Review status: criteria provided, single submitter. Criteria: ACMG Guidelines, 2015. Collection method: clinical testing. Allele origin: unknown.

Natera, Inc.
Classification: Uncertain significance for Usher syndrome type 1B. Last evaluated: 2020-04-17. Review status: no assertion criteria provided. Collection method: clinical testing. Allele origin: germline. Not counted in ClinVar's aggregate classification.

NM_000260.4(MYO7A):c.5021C>A (p.Thr1674Asn)

Gene: MYO7A (myosin VIIA; plus strand). Cytogenetic location: 11q13.5.
Variant type: single nucleotide variant.
Coding change: c.5021C>A on transcript NM_000260.4 (MANE Select); coding-DNA position 5021, C replaced by A.
Protein change: p.Thr1674Asn; replaces threonine 1674 with asparagine.
Molecular consequence: missense variant.
Genome position (GRCh38, 1-based): chr11:77,201,616, C>A. VCF-style: chr11-77201616-C-A. GRCh37 (hg19) VCF-style: chr11-76912661-C-A.
Other names: c.4907C>A, p.Thr1636Asn (NM_001127180.2); c.4874C>A, p.Thr1625Asn (NM_001369365.1); c.5021C>A (NM_000260.3); short protein forms T1625N, T1636N, T1674N.
Identifiers: ClinVar variation 991573 (VCV000991573.10), dbSNP rs766461538, ClinGen allele CA6198593.